The following is an entry in ClinVar:

ClinVar aggregate classification (germline): Likely pathogenic (1 of 4 stars; one submission).

Conditions:
Cardiovascular phenotype. Identifiers: MedGen CN230736.

Submission:

Ambry Genetics
Classification: Likely pathogenic for Cardiovascular phenotype. Last evaluated: 2017-02-09. Review status: criteria provided, single submitter. Criteria: Ambry Variant Classification Scheme 2023. Collection method: clinical testing. Allele origin: germline.
Comment: The p.G2342R variant (also known as c.7024G>A), located in coding exon 46 of the RYR2 gene, results from a G to A substitution at nucleotide position 7024. The glycine at codon 2342 is replaced by arginine, an amino acid with dissimilar properties. This variant has been reported in an individual with catecholaminergic polymorphic ventricular tachycardia, and suggested to be mosaic in the proband's clinically asymptomatic father (Ohno S et al. PLoS ONE, 2015 Jun;10:e0131517). This variant was also detected in a case of sudden death, and a family member carrying this alteration was described as clinically asymptomatic with frequent premature ventricular beats on exercise testing despite beta-blockers (Cann F et al. Clin. Genet., 2016 Mar;). Based on the majority of available evidence to date, this variant is likely to be pathogenic.

Literature cited by the submitters: PubMed 26114861; PubMed 27000522.

NM_001035.3(RYR2):c.7024G>A (p.Gly2342Arg)

Gene: RYR2 (ryanodine receptor 2; plus strand). Cytogenetic location: 1q43.
Variant type: single nucleotide variant.
Coding change: c.7024G>A on transcript NM_001035.3 (MANE Select); coding-DNA position 7024, G replaced by A.
Protein change: p.Gly2342Arg; replaces glycine 2342 with arginine.
Molecular consequence: missense variant.
Genome position (GRCh38, 1-based): chr1:237,639,110, G>A. VCF-style: chr1-237639110-G-A. GRCh37 (hg19) VCF-style: chr1-237802410-G-A.
Other names: c.7024G>A, p.Gly2342Arg (LRG_402t1); short protein forms G2342R.
Identifiers: ClinVar variation 519356 (VCV000519356.5), dbSNP rs1553263907, ClinGen allele CA345395925.